The following is an entry in ClinVar:

NM_006766.5(KAT6A):c.4611C>T (p.Ser1537=)

Gene: KAT6A (lysine acetyltransferase 6A; minus strand). Cytogenetic location: 8p11.21.
Variant type: single nucleotide variant.
Coding change: c.4611C>T on transcript NM_006766.5 (MANE Select); coding-DNA position 4611, C replaced by T.
Protein change: p.Ser1537=; no amino-acid change (serine 1537 retained).
Molecular consequence: synonymous variant.
Genome position (GRCh38, 1-based): chr8:41,933,609, G>A on the plus strand (C>T on the coding strand, the complement: KAT6A is on the minus strand). VCF-style: chr8-41933609-G-A. GRCh37 (hg19) VCF-style: chr8-41791127-G-A.
Other names: c.4611C>T (NM_006766.4).
Identifiers: ClinVar variation 589286 (VCV000589286.35), dbSNP rs200721745, ClinGen allele CA4729449.

ClinVar aggregate classification (germline): Benign/Likely benign. Review status: criteria provided, multiple submitters, no conflicts (2 of 4 stars). 5 submissions from 5 submitters: Benign (3); Likely benign (1). 1 of the submissions does not count toward it. Last evaluated 2026-01-16.

Conditions:
KAT6A-related disorder. Also called: KAT6A-related condition.
Inborn genetic diseases. Identifiers: MedGen C0950123, MeSH D030342.

Allele frequency attached by ClinVar (database versions not stated): gnomAD 0.00023 and 0.00042; ESP Exome Variant Server 0.00038; TOPMed 0.00041; gnomAD exomes 0.00047 and 0.00100; 1000 Genomes Project 30x 0.00094; 1000 Genomes Project 0.00100; ExAC 0.00118.
gnomAD v4.1: 750 of 1,614,096 alleles (0.046%); highest among the groups gnomAD compares: South Asian, 0.61%; 8 homozygotes.

Submissions (5):

Labcorp Genetics (formerly Invitae), Labcorp
Classification: Benign. Last evaluated: 2026-01-16. Review status: criteria provided, single submitter. Criteria: Invitae Variant Classification Sherloc (09022015). Collection method: clinical testing. Allele origin: germline.

CeGaT Center for Human Genetics Tuebingen
Classification: Benign. Last evaluated: 2024-01-01. Review status: criteria provided, single submitter. Criteria: CeGaT Center For Human Genetics Tuebingen Variant Classification Criteria Version 2. Collection method: clinical testing. Allele origin: germline. Affected: yes. Observed: 4 variant alleles.
Comment: KAT6A: BP4, BP7, BS1, BS2

GeneDx
Classification: Benign. Last evaluated: 2020-07-08. Review status: criteria provided, single submitter. Criteria: GeneDx Variant Classification Process June 2021. Collection method: clinical testing. Allele origin: germline. Affected: yes.

Ambry Genetics
Classification: Likely benign for Inborn genetic diseases. Last evaluated: 2016-05-13. Review status: criteria provided, single submitter. Criteria: Ambry Variant Classification Scheme 2023. Collection method: clinical testing. Allele origin: germline.

PreventionGenetics, part of Exact Sciences
Classification: Likely benign for KAT6A-related condition. Last evaluated: 2019-03-25. Review status: no assertion criteria provided. Collection method: clinical testing. Allele origin: germline. Not counted in ClinVar's aggregate classification.
Comment: This variant is classified as likely benign based on ACMG/AMP sequence variant interpretation guidelines (Richards et al. 2015 PMID: 25741868, with internal and published modifications).